The following is an entry in ClinVar:

ClinVar aggregate classification (germline): Uncertain significance (1 of 4 stars; one submission).

gnomAD v4.1: 55 of 1,570,690 alleles (0.0035%); highest among the groups gnomAD compares: East Asian, 0.05%; no homozygotes.

Submission:

Labcorp Genetics (formerly Invitae), Labcorp
Classification: Uncertain significance. Last evaluated: 2025-05-18. Review status: criteria provided, single submitter. Criteria: Invitae Variant Classification Sherloc (09022015). Collection method: clinical testing. Allele origin: germline.
Comment: This sequence change replaces arginine, which is basic and polar, with tryptophan, which is neutral and slightly polar, at codon 688 of the TNK2 protein (p.Arg688Trp). This variant is present in population databases (rs371483691, gnomAD 0.09%), and has an allele count higher than expected for a pathogenic variant. This variant has not been reported in the literature in individuals affected with TNK2-related conditions. ClinVar contains an entry for this variant (Variation ID: 3634987). An algorithm developed to predict the effect of missense changes on protein structure and function (PolyPhen-2) suggests that this variant is likely to be tolerated. In summary, the available evidence is currently insufficient to determine the role of this variant in disease. Therefore, it has been classified as a Variant of Uncertain Significance.

NM_001382273.1(TNK2):c.1873C>T (p.Arg625Trp)

Gene: TNK2 (tyrosine kinase non receptor 2; minus strand). Cytogenetic location: 3q29.
Variant type: single nucleotide variant.
Coding change: c.1873C>T on transcript NM_001382273.1 (MANE Select); coding-DNA position 1873, C replaced by T.
Protein change: p.Arg625Trp; replaces arginine 625 with tryptophan.
Molecular consequence: missense variant. On other transcripts: non-coding transcript variant (15).
Genome position (GRCh38, 1-based): chr3:195,868,425, G>A on the plus strand (C>T on the coding strand, the complement: TNK2 is on the minus strand). VCF-style: chr3-195868425-G-A. GRCh37 (hg19) VCF-style: chr3-195595296-G-A.
Other names: c.1945C>T, p.Arg649Trp (NM_001010938.2, NM_001382272.1); c.1924C>T, p.Arg642Trp (NM_001308046.2, NM_001382271.1); c.1873C>T, p.Arg625Trp (NM_001382274.1, NM_001387716.1, NM_001387717.1 and 1 more transcripts); c.1969C>T, p.Arg657Trp (NM_001382275.1, NM_001387707.1); c.1828C>T, p.Arg610Trp (NM_001386164.1, NM_001387709.1, NM_001387710.1 and 8 more transcripts); c.1900C>T, p.Arg634Trp (NM_001387708.1, NM_001387715.1); short protein forms R625W, R657W, R642W, R610W, R649W, R634W.
Identifiers: ClinVar variation 3634987 (VCV003634987.2).